The following is an entry in ClinVar:

ClinVar aggregate classification (germline): Uncertain significance. Review status: criteria provided, multiple submitters, no conflicts (2 of 4 stars). 4 submissions from 4 submitters: Uncertain significance (4). Last evaluated 2026-04-06.

Conditions:
Familial hypokalemia-hypomagnesemia (GTLMNS). Also called: HYPOMAGNESEMIA-HYPOKALEMIA, PRIMARY RENOTUBULAR, WITH HYPOCALCIURIA; POTASSIUM AND MAGNESIUM DEPLETION; gitelman syndrome. Identifiers: Orphanet 358, MedGen C0268450, MONDO:0009904, OMIM 263800.

Allele frequency attached by ClinVar (database versions not stated): TOPMed 0.00003; ESP Exome Variant Server 0.00008; ExAC 0.00003; gnomAD 0.00003.
gnomAD v4.1: 81 of 1,613,860 alleles (0.005%); highest among the groups gnomAD compares: East Asian, 0.094%; no homozygotes.

Submissions (4):

Women's Health and Genetics/Laboratory Corporation of America, LabCorp
Classification: Uncertain significance. Last evaluated: 2026-04-06. Review status: criteria provided, single submitter. Criteria: LabCorp Variant Classification Summary - May 2015. Collection method: clinical testing. Allele origin: germline.
Comment: Variant summary: SLC12A3 c.704C>T (p.Thr235Met) results in a non-conservative amino acid change in the encoded protein sequence. Algorithms developed to predict the effect of missense changes on protein structure and function all suggest that this variant is likely to be disruptive. The variant allele was found at a frequency of 6.4e-05 in 251110 control chromosomes (gnomAD). This frequency is not significantly higher than estimated for disease-causing variants in SLC12A3, allowing no conclusion about variant significance. c.704C>T has been observed in one individual affected with Gitelman Syndrome (Fujimura_2019). The report does not provide unequivocal conclusions about association of the variant with Familial Hypokalemia-Hypomagnesemia. To our knowledge, no experimental evidence demonstrating an impact on protein function has been reported. The following publication have been ascertained in the context of this evaluation (PMID: 30596175). ClinVar contains an entry for this variant (Variation ID: 2152407). Based on the evidence outlined above, the variant was classified as uncertain significance.

Fulgent Genetics
Classification: Uncertain significance for Familial hypokalemia-hypomagnesemia. Last evaluated: 2024-05-18. Review status: criteria provided, single submitter. Criteria: ACMG Guidelines, 2015. Collection method: clinical testing. Allele origin: germline.

Labcorp Genetics (formerly Invitae), Labcorp
Classification: Uncertain significance. Last evaluated: 2022-08-22. Review status: criteria provided, single submitter. Criteria: Invitae Variant Classification Sherloc (09022015). Collection method: clinical testing. Allele origin: germline.
Comment: This sequence change replaces threonine, which is neutral and polar, with methionine, which is neutral and non-polar, at codon 235 of the SLC12A3 protein (p.Thr235Met). This variant is present in population databases (rs369344478, gnomAD 0.03%). This missense change has been observed in individual(s) with Gitelman syndrome (PMID: 30596175). Algorithms developed to predict the effect of missense changes on protein structure and function are either unavailable or do not agree on the potential impact of this missense change (SIFT: "Deleterious"; PolyPhen-2: "Probably Damaging"; Align-GVGD: "Class C0"). In summary, the available evidence is currently insufficient to determine the role of this variant in disease. Therefore, it has been classified as a Variant of Uncertain Significance.

Revvity Omics, Revvity
Classification: Uncertain significance for Familial hypokalemia-hypomagnesemia. Last evaluated: 2019-09-29. Review status: criteria provided, single submitter. Criteria: ACMG Guidelines, 2015. Collection method: clinical testing. Allele origin: germline.

Literature cited by the submitters: PubMed 30596175 (cited by Women's Health and Genetics/Laboratory Corporation of America, LabCorp and Labcorp Genetics (formerly Invitae), Labcorp).

NM_001126108.2(SLC12A3):c.704C>T (p.Thr235Met)

Gene: SLC12A3 (solute carrier family 12 member 3; plus strand). Cytogenetic location: 16q13.
Variant type: single nucleotide variant.
Coding change: c.704C>T on transcript NM_001126108.2 (MANE Select); coding-DNA position 704, C replaced by T.
Protein change: p.Thr235Met; replaces threonine 235 with methionine.
Molecular consequence: missense variant.
Genome position (GRCh38, 1-based): chr16:56,870,198, C>T. VCF-style: chr16-56870198-C-T. GRCh37 (hg19) VCF-style: chr16-56904110-C-T.
Other names: c.704C>T, p.Thr235Met (NM_000339.3); c.701C>T, p.Thr234Met (NM_001126107.2, NM_001410896.1); short protein forms T234M, T235M.
Identifiers: ClinVar variation 2152407 (VCV002152407.6), dbSNP rs369344478, ClinGen allele CA8069151.